The following is an entry in ClinVar:

ClinVar aggregate classification (germline): Uncertain significance (1 of 4 stars; one submission).

Submissions (2):

Labcorp Genetics (formerly Invitae), Labcorp
Classification: Uncertain significance. Last evaluated: 2024-04-13. Review status: criteria provided, single submitter. Criteria: Invitae Variant Classification Sherloc (09022015). Collection method: clinical testing. Allele origin: germline.
Comment: This sequence change replaces valine, which is neutral and non-polar, with isoleucine, which is neutral and non-polar, at codon 253 of the SUCLG2 protein (p.Val253Ile). This variant also falls at the last nucleotide of exon 7, which is part of the consensus splice site for this exon. The frequency data for this variant in the population databases is considered unreliable, as metrics indicate poor data quality at this position in the gnomAD database. This variant has not been reported in the literature in individuals affected with SUCLG2-related conditions. An algorithm developed to predict the effect of missense changes on protein structure and function (PolyPhen-2) suggests that this variant is likely to be tolerated. Variants that disrupt the consensus splice site are a relatively common cause of aberrant splicing (PMID: 17576681, 9536098). Algorithms developed to predict the effect of sequence changes on RNA splicing suggest that this variant may disrupt the consensus splice site. In summary, the available evidence is currently insufficient to determine the role of this variant in disease. Therefore, it has been classified as a Variant of Uncertain Significance.

Dr. Peter K. Rogan Lab, Western University
No classification provided (evidence only). Condition: Melanoma. Review status: no classification provided. Collection method: in vitro. Allele origin: not applicable. Functional consequence: skipped exon. Not counted in ClinVar's aggregate classification.

Literature cited by the submitters: PubMed 17576681 (cited by Labcorp Genetics (formerly Invitae), Labcorp); PubMed 9536098 (cited by Labcorp Genetics (formerly Invitae), Labcorp).

NM_003848.4(SUCLG2):c.757G>A (p.Val253Ile)

Gene: SUCLG2 (succinate-CoA ligase GDP-forming subunit beta; minus strand). Cytogenetic location: 3p14.1.
Variant type: single nucleotide variant.
Coding change: c.757G>A on transcript NM_003848.4 (MANE Select); coding-DNA position 757, G replaced by A.
Protein change: p.Val253Ile; replaces valine 253 with isoleucine.
Molecular consequence: missense variant.
Genome position (GRCh38, 1-based): chr3:67,508,807, C>T on the plus strand (G>A on the coding strand, the complement: SUCLG2 is on the minus strand). VCF-style: chr3-67508807-C-T. GRCh37 (hg19) VCF-style: chr3-67559231-C-T.
Other names: c.757G>A, p.Val253Ile (NM_001177599.2); short protein forms V253I.
Identifiers: ClinVar variation 3670916 (VCV003670916.3).